The following is an entry in ClinVar:

ClinVar aggregate classification (germline): Likely pathogenic (1 of 4 stars; one submission).

Allele frequency attached by ClinVar (database versions not stated): gnomAD 0.00001; TOPMed 0.00001.

Submission:

Labcorp Genetics (formerly Invitae), Labcorp
Classification: Likely pathogenic. Last evaluated: 2025-12-08. Review status: criteria provided, single submitter. Criteria: Invitae Variant Classification Sherloc (09022015). Collection method: clinical testing. Allele origin: germline.
Comment: This sequence change affects a donor splice site in intron 20 of the ADAMTS18 gene. It is expected to disrupt RNA splicing. Variants that disrupt the donor or acceptor splice site typically lead to a loss of protein function (PMID: 16199547), and loss-of-function variants in ADAMTS18 are known to be pathogenic (PMID: 23818446, 24874986). This variant is present in population databases (no rsID available, gnomAD 0.003%). This variant has not been reported in the literature in individuals affected with ADAMTS18-related conditions. ClinVar contains an entry for this variant (Variation ID: 1900864). Algorithms developed to predict the effect of sequence changes on RNA splicing suggest that this variant may disrupt the consensus splice site. In summary, the currently available evidence indicates that the variant is pathogenic, but additional data are needed to prove that conclusively. Therefore, this variant has been classified as Likely Pathogenic.

Literature cited by the submitters: PubMed 16199547; PubMed 23818446; PubMed 24874986.

NM_199355.4(ADAMTS18):c.3189+2T>A

Gene: ADAMTS18 (ADAM metallopeptidase with thrombospondin type 1 motif 18; minus strand). Cytogenetic location: 16q23.1.
Variant type: single nucleotide variant.
Coding change: c.3189+2T>A on transcript NM_199355.4 (MANE Select); the canonical splice donor site of the intron after coding-DNA position 3189, T replaced by A.
Molecular consequence: splice donor variant.
Genome position (GRCh38, 1-based): chr16:77,293,074, A>T on the plus strand (T>A on the coding strand, the complement: ADAMTS18 is on the minus strand). VCF-style: chr16-77293074-A-T. GRCh37 (hg19) VCF-style: chr16-77326971-A-T.
Other names: c.2673+2T>A (NM_001326358.2).
Identifiers: ClinVar variation 1900864 (VCV001900864.5), dbSNP rs1049158799, ClinGen allele CA284424347.